The following is an entry in ClinVar:

NM_004360.5(CDH1):c.1421C>T (p.Thr474Ile)

Gene: CDH1 (cadherin 1; plus strand). Cytogenetic location: 16q22.1.
Variant type: single nucleotide variant.
Coding change: c.1421C>T on transcript NM_004360.5 (MANE Select); coding-DNA position 1421, C replaced by T.
Protein change: p.Thr474Ile; replaces threonine 474 with isoleucine.
Molecular consequence: missense variant. On other transcripts: 5 prime UTR variant (2).
Genome position (GRCh38, 1-based): chr16:68,815,615, C>T. VCF-style: chr16-68815615-C-T. GRCh37 (hg19) VCF-style: chr16-68849518-C-T.
Other names: c.1421C>T (LRG_301t1, NM_004360.4); c.1238C>T, p.Thr413Ile (NM_001317184.2); c.-128C>T (NM_001317185.2); c.-399C>T (NM_001317186.2); short protein forms T474I, T413I.
Identifiers: ClinVar variation 463715 (VCV000463715.19), dbSNP rs1555516124, ClinGen allele CA396462968.
Genomic context (GRCh38, chr16:68,815,615, plus strand): 5'-TAGCAGTGACGAATGTGGTACCTTTTGAGGTCTCTCTCACCACCTCCACAGCCACCGTCA[C>T]CGTGGATGTGCTGGATGTGAATGAAGCCCCCATCTTTGTGCCTCCTGAAAAGAGAGTGGA-3'
Protein context (NP_004351.1, residues 464-484): VSLTTSTATV[Thr474Ile]VDVLDVNEAP

ClinVar aggregate classification (germline): Uncertain significance. Review status: criteria provided, multiple submitters, no conflicts (2 of 4 stars). 5 submissions from 5 submitters: Uncertain significance (5). Last evaluated 2025-06-28.

Conditions:
Hereditary cancer-predisposing syndrome. Also called: Hereditary neoplastic syndrome; Neoplastic Syndromes, Hereditary; Tumor predisposition; Hereditary Cancer Syndrome. Identifiers: Orphanet 140162, MedGen C0027672, MeSH D009386, MONDO:0015356.
Hereditary diffuse gastric adenocarcinoma (HDGC). Also called: DIFFUSE GASTRIC AND LOBULAR BREAST CANCER SYNDROME. Identifiers: Orphanet 26106, MedGen C1708349, MONDO:0007648, OMIM 137215.

Submissions (5):

Ambry Genetics
Classification: Uncertain significance for Hereditary cancer-predisposing syndrome. Last evaluated: 2025-06-28. Review status: criteria provided, single submitter. Criteria: Ambry Variant Classification Scheme 2023. Collection method: clinical testing. Allele origin: germline.
Comment: The p.T474I variant (also known as c.1421C>T), located in coding exon 10 of the CDH1 gene, results from a C to T substitution at nucleotide position 1421. The threonine at codon 474 is replaced by isoleucine, an amino acid with similar properties. This alteration has been reported in an individual with a personal history of breast cancer (Garcia-Pelaez J et al. Lancet Oncol, 2023 Jan;24:91-106). This amino acid position is not well conserved in available vertebrate species. In addition, this alteration is predicted to be tolerated by in silico analysis. Since supporting evidence is limited at this time, the clinical significance of this alteration remains unclear.

Center for Genomic Medicine, Rigshospitalet, Copenhagen University Hospital
Classification: Uncertain significance. Last evaluated: 2025-03-04. Review status: criteria provided, single submitter. Criteria: ACMG Guidelines, 2015. Collection method: clinical testing. Allele origin: germline.
Comment: Classification criteria: PM2

Labcorp Genetics (formerly Invitae), Labcorp
Classification: Uncertain significance for Hereditary diffuse gastric adenocarcinoma. Last evaluated: 2023-03-20. Review status: criteria provided, single submitter. Criteria: Invitae Variant Classification Sherloc (09022015). Collection method: clinical testing. Allele origin: germline.
Comment: This sequence change replaces threonine, which is neutral and polar, with isoleucine, which is neutral and non-polar, at codon 474 of the CDH1 protein (p.Thr474Ile). This variant is not present in population databases (gnomAD no frequency). This variant has not been reported in the literature in individuals affected with CDH1-related conditions. ClinVar contains an entry for this variant (Variation ID: 463715). Algorithms developed to predict the effect of missense changes on protein structure and function output the following: SIFT: "Not Available"; PolyPhen-2: "Benign"; Align-GVGD: "Not Available". The isoleucine amino acid residue is found in multiple mammalian species, which suggests that this missense change does not adversely affect protein function. In summary, the available evidence is currently insufficient to determine the role of this variant in disease. Therefore, it has been classified as a Variant of Uncertain Significance.

Color Diagnostics, LLC DBA Color Health
Classification: Uncertain significance for Hereditary cancer-predisposing syndrome. Last evaluated: 2022-11-21. Review status: criteria provided, single submitter. Criteria: ACMG Guidelines, 2015. Collection method: clinical testing. Allele origin: germline.
Comment: This missense variant replaces threonine with isoleucine at codon 474 of the CDH1 protein. To our knowledge, functional studies have not been reported for this variant. This variant has not been reported in individuals affected with CDH1-related disorders in the literature. This variant has not been identified in the general population by the Genome Aggregation Database (gnomAD). The available evidence is insufficient to determine the role of this variant in disease conclusively. Therefore, this variant is classified as a Variant of Uncertain Significance.

European Reference Network on Genetic Tumour Risk Syndromes (ERN-GENTURIS), i3s - Instituto de Investigação e Inovação em Saúde, University of Porto
Classification: Uncertain significance for Hereditary diffuse gastric adenocarcinoma. Last evaluated: 2022-08-01. Review status: criteria provided, single submitter. Criteria: Lee et al. (Hum Mutat. 2018). Collection method: clinical testing. Allele origin: germline. Inheritance: Autosomal dominant inheritance. Affected: no. Study: ERN GENTURIS.
Comment: PM2 (PMID: 30311375)

Literature cited by the submitters: PubMed 36436516 (cited by Ambry Genetics and European Reference Network on Genetic Tumour Risk Syndromes (ERN-GENTURIS), i3s - Instituto de Investigação e Inovação em Saúde, University of Porto).